The following is an entry in ClinVar:

NM_004606.5(TAF1):c.4746G>T (p.Lys1582Asn)

Gene: TAF1 (TATA-box binding protein associated factor 1; plus strand). Cytogenetic location: Xq13.1.
Variant type: single nucleotide variant.
Coding change: c.4746G>T on transcript NM_004606.5 (MANE Select); coding-DNA position 4746, G replaced by T.
Protein change: p.Lys1582Asn; replaces lysine 1582 with asparagine.
Molecular consequence: missense variant. On other transcripts: non-coding transcript variant (9).
Genome position (GRCh38, 1-based): chrX:71,424,231, G>T. VCF-style: chrX-71424231-G-T. GRCh37 (hg19) VCF-style: chrX-70644081-G-T.
Other names: c.4746G>T, p.Lys1582Asn (NM_001286074.2); c.4683G>T, p.Lys1561Asn (NM_138923.4); short protein forms K1561N, K1582N.
Identifiers: ClinVar variation 1992757 (VCV001992757.4), dbSNP rs2521645958, ClinGen allele CA413543432.

ClinVar aggregate classification (germline): Uncertain significance (1 of 4 stars; one submission).

Submission:

Labcorp Genetics (formerly Invitae), Labcorp
Classification: Uncertain significance. Last evaluated: 2022-05-10. Review status: criteria provided, single submitter. Criteria: Invitae Variant Classification Sherloc (09022015). Collection method: clinical testing. Allele origin: germline.
Comment: In summary, the available evidence is currently insufficient to determine the role of this variant in disease. Therefore, it has been classified as a Variant of Uncertain Significance. Advanced modeling of protein sequence and biophysical properties (such as structural, functional, and spatial information, amino acid conservation, physicochemical variation, residue mobility, and thermodynamic stability) performed at Invitae indicates that this missense variant is expected to disrupt TAF1 protein function. This variant has not been reported in the literature in individuals affected with TAF1-related conditions. This variant is not present in population databases (gnomAD no frequency). This sequence change replaces lysine, which is basic and polar, with asparagine, which is neutral and polar, at codon 1602 of the TAF1 protein (p.Lys1602Asn).